The following is an entry in ClinVar:

ClinVar aggregate classification (germline): Uncertain significance (1 of 4 stars; one submission).

Conditions:
Emery-Dreifuss muscular dystrophy 5, autosomal dominant (EDMD5). Also called: EMERY-DREIFUSS MUSCULAR DYSTROPHY 5. Identifiers: Orphanet 261, MedGen C2751805, MONDO:0013072, OMIM 612999.

Allele frequency attached by ClinVar (database versions not stated): ExAC 0.00002; gnomAD exomes 0.00002; TOPMed 0.00004; gnomAD 0.00005; 1000 Genomes Project 30x 0.00016; 1000 Genomes Project 0.00020.
gnomAD v4.1: 38 of 1,510,138 alleles (0.0025%); highest among the groups gnomAD compares: African/African-American, 0.0069%; no homozygotes.

Submission:

Labcorp Genetics (formerly Invitae), Labcorp
Classification: Uncertain significance for Emery-Dreifuss muscular dystrophy 5, autosomal dominant. Last evaluated: 2022-07-26. Review status: criteria provided, single submitter. Criteria: Invitae Variant Classification Sherloc (09022015). Collection method: clinical testing. Allele origin: germline.
Comment: This sequence change replaces asparagine, which is neutral and polar, with serine, which is neutral and polar, at codon 4640 of the SYNE2 protein (p.Asn4640Ser). This variant is present in population databases (rs546845589, gnomAD 0.004%). This variant has not been reported in the literature in individuals affected with SYNE2-related conditions. Algorithms developed to predict the effect of missense changes on protein structure and function output the following: SIFT: "Tolerated"; PolyPhen-2: "Benign"; Align-GVGD: "Class C0". The serine amino acid residue is found in multiple mammalian species, which suggests that this missense change does not adversely affect protein function. In summary, the available evidence is currently insufficient to determine the role of this variant in disease. Therefore, it has been classified as a Variant of Uncertain Significance.

NM_182914.3(SYNE2):c.13919A>G (p.Asn4640Ser)

Gene: SYNE2 (spectrin repeat containing nuclear envelope protein 2; plus strand). Cytogenetic location: 14q23.2.
Variant type: single nucleotide variant.
Coding change: c.13919A>G on transcript NM_182914.3 (MANE Select); coding-DNA position 13919, A replaced by G.
Protein change: p.Asn4640Ser; replaces asparagine 4640 with serine.
Molecular consequence: missense variant.
Genome position (GRCh38, 1-based): chr14:64,128,453, A>G. VCF-style: chr14-64128453-A-G. GRCh37 (hg19) VCF-style: chr14-64595171-A-G.
Other names: c.13919A>G, p.Asn4640Ser (NM_015180.6); short protein forms N4640S.
Identifiers: ClinVar variation 2071506 (VCV002071506.4), dbSNP rs546845589, ClinGen allele CA7222623.
Genomic context (GRCh38, chr14:64,128,453, plus strand): 5'-TAAAAAAAGATAATGAAGGCCTAAATGAGATTGCTCAGTTTCCGACATTTATCTTACAGA[A>G]TGAAATAAAGAGATTATATCATCAGCTCATTAAGAGTAAGACATCTTTACAACAGTCTTT-3'
Protein context (NP_878918.2, residues 4630-4650): AGLDYNRSYQ[Asn4640Ser]EIKRLYHQLI